The following is an entry in ClinVar:

NM_001164665.2(KIAA1549):c.1184G>A (p.Ser395Asn)

Gene: KIAA1549 (KIAA1549; minus strand). Cytogenetic location: 7q34.
Variant type: single nucleotide variant.
Coding change: c.1184G>A on transcript NM_001164665.2 (MANE Select); coding-DNA position 1184, G replaced by A.
Protein change: p.Ser395Asn; replaces serine 395 with asparagine.
Molecular consequence: missense variant.
Genome position (GRCh38, 1-based): chr7:138,918,442, C>T on the plus strand (G>A on the coding strand, the complement: KIAA1549 is on the minus strand). VCF-style: chr7-138918442-C-T. GRCh37 (hg19) VCF-style: chr7-138603188-C-T.
Other names: c.1184G>A, p.Ser395Asn (NM_020910.3); short protein forms S395N.
Identifiers: ClinVar variation 2103835 (VCV002103835.4), dbSNP rs776032942, ClinGen allele CA369399524.
Genomic context (GRCh38, chr7:138,918,442, plus strand): 5'-AATGAGGACACCGGGCTCAGGATATGAGTGTTGTCCACAGGACCGGGGAGGGCTGAATTG[C>T]TATGCAATTCGGATGTTTTGCTGGAGTCGCTAGGGAGAAAGGGGTTAGATGAAACATCAG-3'
Protein context (NP_001158137.1, residues 385-405): SDSSKTSELH[Ser395Asn]NSALPGPVDN

ClinVar aggregate classification (germline): Uncertain significance (1 of 4 stars; one submission).

gnomAD v4.1: 1 of 1,613,934 alleles (0.000062%); highest among the groups gnomAD compares: Admixed American, 0.0017%; no homozygotes.

Submission:

Labcorp Genetics (formerly Invitae), Labcorp
Classification: Uncertain significance. Last evaluated: 2022-03-04. Review status: criteria provided, single submitter. Criteria: Invitae Variant Classification Sherloc (09022015). Collection method: clinical testing. Allele origin: germline.
Comment: Algorithms developed to predict the effect of missense changes on protein structure and function (SIFT, PolyPhen-2, Align-GVGD) all suggest that this variant is likely to be tolerated. This variant has not been reported in the literature in individuals affected with KIAA1549-related conditions. This variant is not present in population databases (gnomAD no frequency). This sequence change replaces serine, which is neutral and polar, with asparagine, which is neutral and polar, at codon 395 of the KIAA1549 protein (p.Ser395Asn). In summary, the available evidence is currently insufficient to determine the role of this variant in disease. Therefore, it has been classified as a Variant of Uncertain Significance.